The following is an entry in ClinVar:

NM_001267550.2(TTN):c.89314G>A (p.Glu29772Lys)

Genes: TTN (titin; minus strand), TTN-AS1 (TTN antisense RNA 1; plus strand). Cytogenetic location: 2q31.2.
Variant type: single nucleotide variant.
Coding change: c.89314G>A on transcript NM_001267550.2 (MANE Select); coding-DNA position 89314, G replaced by A.
Protein change: p.Glu29772Lys; replaces glutamic acid 29772 with lysine.
Molecular consequence: missense variant.
Genome position (GRCh38, 1-based): chr2:178,553,691, C>T on the plus strand (G>A on the coding strand, the complement: TTN is on the minus strand). VCF-style: chr2-178553691-C-T. GRCh37 (hg19) VCF-style: chr2-179418418-C-T.
Other names: c.89314G>A (LRG_391t1); c.84391G>A, p.Glu28131Lys (NM_001256850.1); c.62119G>A, p.Glu20707Lys (NM_003319.4); c.81610G>A, p.Glu27204Lys (NM_133378.4); c.62494G>A, p.Glu20832Lys (NM_133432.3); c.62695G>A, p.Glu20899Lys (NM_133437.4); short protein forms E27204K, E29772K, E20707K, E20832K, E28131K, E20899K.
Identifiers: ClinVar variation 191860 (VCV000191860.71), dbSNP rs200503016, ClinGen allele CA237722.
Genomic context (GRCh38, chr2:178,553,691, plus strand): 5'-TTCTGACCTCTCCTTTGGTAGAGACAGTAGTCCATTCCTCTTCCTCTCCTTGTCTTATCT[C>T]GACAACATACCCAGTAACAGCACTGCCCCCATCATAGACAGGCTTACTCCAGCCAAGGGT-3'
Protein context (NP_001254479.2, residues 29762-29782): GGSAVTGYVV[Glu29772Lys]IRQGEEEEWT

ClinVar aggregate classification (germline): Conflicting classifications of pathogenicity. Review status: criteria provided, conflicting classifications (1 of 4 stars). 20 submissions from 20 submitters: Uncertain significance (9); Likely benign (7). 4 of the submissions do not count toward it. Last evaluated 2025-07-24.

Conditions:
TTN-related disorder. Also called: TTN-related condition; TTN-related disease; TTN-related disorders.
Cardiovascular phenotype. Identifiers: MedGen CN230736.
Dilated cardiomyopathy 1G (CMD1G). Identifiers: Orphanet 154, MedGen C1858763, MONDO:0011400, OMIM 604145.
Autosomal recessive limb-girdle muscular dystrophy type 2J (LGMDR10). Also called: Limb-girdle muscular dystrophy, type 2J; MUSCULAR DYSTROPHY, LIMB-GIRDLE, AUTOSOMAL RECESSIVE 10. Identifiers: Orphanet 140922, MedGen C1837342, MONDO:0012127, OMIM 608807.
Myopathy, myofibrillar, 9, with early respiratory failure (MFM9). Also called: EDSTROM MYOPATHY; MYOPATHY, PROXIMAL, WITH EARLY RESPIRATORY MUSCLE INVOLVEMENT; Hereditary myopathy with early respiratory failure; Myopathy, distal, with early respiratory failure, autosomal dominant. Identifiers: Orphanet 178464, Orphanet 34521, MedGen C1863599, MONDO:0011362, OMIM 603689.
Tibial muscular dystrophy (TMD). Also called: Udd Distal Myopathy – Tibial Muscular Dystrophy; Tibial muscular dystrophy, tardive; UDD MYOPATHY. Identifiers: Orphanet 609, MedGen C1838244, MONDO:0010870, OMIM 600334.
Early-onset myopathy with fatal cardiomyopathy (CMYO5). Also called: CONGENITAL MYOPATHY 5 WITH CARDIOMYOPATHY; Salih Myopathy. Identifiers: Orphanet 289377, MedGen C2673677, MONDO:0012714, OMIM 611705. Disease mechanism: loss of function.
Hypertrophic cardiomyopathy 9. Also called: Familial hypertrophic cardiomyopathy 9. Identifiers: MedGen C1861065, MONDO:0013412, OMIM 613765.
Cardiomyopathy (CMYO). Also called: Cardiomyopathies. Identifiers: Orphanet 167848, MedGen C0878544, MONDO:0004994, HP:0001638. Inheritance: Various modes of inheritance.

Allele frequency attached by ClinVar (database versions not stated): 1000 Genomes Project 30x 0.00016; gnomAD 0.00019; 1000 Genomes Project 0.00020; TOPMed 0.00022; gnomAD exomes 0.00025 and 0.00028; ExAC 0.00027; ESP Exome Variant Server 0.00073.
gnomAD v4.1: 453 of 1,613,814 alleles (0.028%); highest among the groups gnomAD compares: African/African-American, 0.043%; no homozygotes.

Submissions (20):

Molecular Diagnostic Laboratory for Inherited Cardiovascular Disease, Montreal Heart Institute
Classification: Likely benign. Last evaluated: 2025-07-24. Review status: criteria provided, single submitter. Criteria: ACMG Guidelines, 2015. Collection method: clinical testing. Allele origin: germline. Affected: no.
Comment: BP1

PreventionGenetics, part of Exact Sciences
Classification: Likely benign for TTN-related condition. Last evaluated: 2025-05-25. Review status: criteria provided, single submitter. Criteria: ACMG Guidelines, 2015. Collection method: clinical testing. Allele origin: germline.
Comment: This variant is classified as likely benign based on ACMG/AMP sequence variant interpretation guidelines (Richards et al. 2015 PMID: 25741868, with internal and published modifications).

Blueprint Genetics
Classification: Likely benign. Last evaluated: 2024-11-06. Review status: criteria provided, single submitter. Criteria: ACMG Guidelines, 2015. Collection method: clinical testing. Allele origin: germline.

CeGaT Center for Human Genetics Tuebingen
Classification: Likely benign. Last evaluated: 2024-10-01. Review status: criteria provided, single submitter. Criteria: CeGaT Center For Human Genetics Tuebingen Variant Classification Criteria Version 2. Collection method: clinical testing. Allele origin: germline. Affected: yes. Observed: 2 variant alleles.
Comment: TTN: BP4

Revvity Omics, Revvity
Classification: Uncertain significance. Last evaluated: 2024-09-12. Review status: criteria provided, single submitter. Criteria: ACMG Guidelines, 2015. Collection method: clinical testing. Allele origin: germline.

Women's Health and Genetics/Laboratory Corporation of America, LabCorp
Classification: Uncertain significance. Last evaluated: 2023-06-26. Review status: criteria provided, single submitter. Criteria: LabCorp Variant Classification Summary - May 2015. Collection method: clinical testing. Allele origin: germline.
Comment: Variant summary: TTN c.81610G>A (p.Glu27204Lys) results in a conservative amino acid change located in the A-band domain of the encoded protein sequence. Two of four in-silico tools predict a benign effect of the variant on protein function. The variant allele was found at a frequency of 2.5e-04 in 248480 control chromosomes (gnomAD), predominantly in the non-Finnish European population at a frequency of 3.6e-04 in 112394 chromosomes. This frequency is not significantly higher than estimated for a pathogenic variant in TTN causing Dilated Cardiomyopathy (0.00025 vs 0.00039), allowing no conclusion about variant significance. c.81610G>A has been reported in the literature in individuals affected with Dilated Cardiomyopathy, Hypertrophic cardiomyopathy, or preeclampsia without evidence for causality (examples: Forleo_2017, Mates_2018, Mademont-Soler_2017, Horvat_2019, Gammill_2018). These report(s) do not provide unequivocal conclusions about association of the variant with Dilated Cardiomyopathy. However, co-occurrences with other pathogenic variant(s) have been reported (TTN c.94322delT, p.L31441*) in at least one individual affected with Dilated Cardiomyopathy (example: Forleo_2017), providing supporting evidence for a benign role. To our knowledge, no experimental evidence demonstrating an impact on protein function has been reported. The following publications have been ascertained in the context of this evaluation (PMID: 28750076, 30021846, 29892087, 28771489, 29511324). Nine submitters have cited clinical-significance assessments for this variant to ClinVar after 2014, classifying the variant as uncertain significance (n=6) or likely benign (n=3). Based on the evidence outlined above, the variant was classified as VUS-possibly benign.

New York Genome Center
Classification: Uncertain significance for Dilated cardiomyopathy 1G; Hypertrophic cardiomyopathy 9. Last evaluated: 2022-12-20. Review status: criteria provided, single submitter. Criteria: NYGC Assertion Criteria 2020. Collection method: clinical testing. Allele origin: germline. Observed: 1 variant allele.

Ambry Genetics
Classification: Likely benign for Cardiovascular phenotype. Last evaluated: 2022-01-26. Review status: criteria provided, single submitter. Criteria: Ambry Variant Classification Scheme 2023. Collection method: clinical testing. Allele origin: germline.

CHEO Genetics Diagnostic Laboratory, Children's Hospital of Eastern Ontario
Classification: Likely benign for Cardiomyopathy. Last evaluated: 2019-11-21. Review status: criteria provided, single submitter. Criteria: ACMG Guidelines, 2015. Collection method: clinical testing. Allele origin: germline.

GeneDx
Classification: Likely benign. Last evaluated: 2019-10-10. Review status: criteria provided, single submitter. Criteria: GeneDx Variant Classification Process June 2021. Collection method: clinical testing. Allele origin: germline. Affected: yes.

Fulgent Genetics
Classification: Uncertain significance for Tibial muscular dystrophy; Myopathy, myofibrillar, 9, with early respiratory failure; Dilated cardiomyopathy 1G; Autosomal recessive limb-girdle muscular dystrophy type 2J; Early-onset myopathy with fatal cardiomyopathy; Hypertrophic cardiomyopathy 9. Last evaluated: 2018-10-31. Review status: criteria provided, single submitter. Criteria: ACMG Guidelines, 2015. Collection method: clinical testing. Allele origin: unknown.

Eurofins Ntd Llc (ga)
Classification: Uncertain significance. Last evaluated: 2018-02-15. Review status: criteria provided, single submitter. Criteria: EGL ClinVar v180209 classification definitions. Collection method: clinical testing. Allele origin: germline. Observed: 4 variant alleles, 4 heterozygotes.

Athena Diagnostics
Classification: Uncertain significance. Last evaluated: 2017-08-28. Review status: criteria provided, single submitter. Criteria: Athena Diagnostics Criteria. Collection method: clinical testing. Allele origin: germline.

Labcorp Genetics (formerly Invitae), Labcorp
Classification: Uncertain significance for Dilated cardiomyopathy 1G; Autosomal recessive limb-girdle muscular dystrophy type 2J. Last evaluated: 2017-07-25. Review status: criteria provided, single submitter. Criteria: Invitae Variant Classification Sherloc (09022015). Collection method: clinical testing. Allele origin: germline.

Genetic Services Laboratory, University of Chicago
Classification: Uncertain significance. Last evaluated: 2016-03-04. Review status: criteria provided, single submitter. Criteria: ACMG Guidelines, 2015. Collection method: clinical testing. Allele origin: germline. Affected: no.

Biesecker Lab/Clinical Genomics Section, National Institutes of Health
Classification: Uncertain significance. Last evaluated: 2013-06-24. Review status: criteria provided, single submitter. Criteria: Ng et al. (Circ Cardiovasc Genet. 2013). Collection method: research. Allele origin: unknown. Observed: 1 variant allele. Study: ClinSeq.
Comment: The study set was not selected for affection status in relation to any cancer. Pathogenicity categories were based on literature curation. See Pubmed ID:23861362 for details.

Medical sequencing

Clinical Genetics DNA and cytogenetics Diagnostics Lab, Erasmus MC, Erasmus Medical Center
Classification: Likely benign. Review status: no assertion criteria provided. Collection method: clinical testing. Allele origin: germline. Affected: yes. Study: VKGL Data-share Consensus. Not counted in ClinVar's aggregate classification.

Clinical Genetics, Academic Medical Center
Classification: Likely benign. Review status: no assertion criteria provided. Collection method: clinical testing. Allele origin: germline. Affected: yes. Study: VKGL Data-share Consensus. Not counted in ClinVar's aggregate classification.

Diagnostic Laboratory, Department of Genetics, University Medical Center Groningen
Classification: Likely benign. Review status: no assertion criteria provided. Collection method: clinical testing. Allele origin: germline. Affected: yes. Study: VKGL Data-share Consensus. Not counted in ClinVar's aggregate classification.

Joint Genome Diagnostic Labs from Nijmegen and Maastricht, Radboudumc and MUMC+
Classification: Likely benign. Review status: no assertion criteria provided. Collection method: clinical testing. Allele origin: germline. Affected: yes. Study: VKGL Data-share Consensus. Not counted in ClinVar's aggregate classification.

Literature cited by the submitters: PubMed 28771489 (cited by Women's Health and Genetics/Laboratory Corporation of America, LabCorp); PubMed 28750076 (cited by Women's Health and Genetics/Laboratory Corporation of America, LabCorp and Ambry Genetics); PubMed 29511324 (cited by Women's Health and Genetics/Laboratory Corporation of America, LabCorp); PubMed 29892087 (cited by Women's Health and Genetics/Laboratory Corporation of America, LabCorp); PubMed 30021846 (cited by Women's Health and Genetics/Laboratory Corporation of America, LabCorp); PubMed 23861362 (cited by Ambry Genetics).